The following is an entry in ClinVar:

ClinVar aggregate classification (germline): Uncertain significance (1 of 4 stars; one submission).

Conditions:
Hereditary cancer-predisposing syndrome. Also called: Tumor predisposition; Neoplastic Syndromes, Hereditary; Hereditary Cancer Syndrome; Hereditary neoplastic syndrome. Identifiers: Orphanet 140162, MedGen C0027672, MeSH D009386, MONDO:0015356.

Submission:

Ambry Genetics
Classification: Uncertain significance for Hereditary cancer-predisposing syndrome. Last evaluated: 2025-01-22. Review status: criteria provided, single submitter. Criteria: Ambry Variant Classification Scheme 2023. Collection method: clinical testing. Allele origin: germline.
Comment: The p.S1343F variant (also known as c.4028C>T), located in coding exon 15 of the APC gene, results from a C to T substitution at nucleotide position 4028. The serine at codon 1343 is replaced by phenylalanine, an amino acid with highly dissimilar properties. This amino acid position is conserved. In addition, in silico predictors for this gene do not accurately predict pathogenicity. Based on the available evidence, the clinical significance of this variant remains unclear.

NM_000038.6(APC):c.4028C>T (p.Ser1343Phe)

Gene: APC (APC regulator of Wnt signaling pathway; plus strand). Cytogenetic location: 5q22.2.
Variant type: single nucleotide variant.
Coding change: c.4028C>T on transcript NM_000038.6 (MANE Select); coding-DNA position 4028, C replaced by T.
Protein change: p.Ser1343Phe; replaces serine 1343 with phenylalanine.
Molecular consequence: missense variant. On other transcripts: non-coding transcript variant (2).
Genome position (GRCh38, 1-based): chr5:112,839,622, C>T. VCF-style: chr5-112839622-C-T. GRCh37 (hg19) VCF-style: chr5-112175319-C-T.
Other names: c.3179C>T, p.Ser1060Phe (NM_001354906.2, NM_001407470.1); c.4112C>T, p.Ser1371Phe (NM_001407446.1); c.4082C>T, p.Ser1361Phe (NM_001407447.1, NM_001407448.1, NM_001407449.1 and 1 more transcripts); c.4007C>T, p.Ser1336Phe (NM_001407451.1); c.4028C>T, p.Ser1343Phe (NM_001407450.1, NM_001127510.3, NM_001354895.2); c.3998C>T, p.Ser1333Phe (NM_001407452.1); c.3974C>T, p.Ser1325Phe (NM_001127511.3); c.4058C>T, p.Ser1353Phe (NM_001354897.2); and 11 more; short protein forms S1361F, S1371F, S1060F, S1252F, S1315F, S1333F, S1336F, S1214F.
Identifiers: ClinVar variation 3881925 (VCV003881925.1).